The following is an entry in ClinVar:

NM_001365276.2(TNXB):c.3350T>C (p.Ile1117Thr)

Gene: TNXB (tenascin XB; minus strand). Cytogenetic location: 6p21.33.
Variant type: single nucleotide variant.
Coding change: c.3350T>C on transcript NM_001365276.2 (MANE Select); coding-DNA position 3350, T replaced by C.
Protein change: p.Ile1117Thr; replaces isoleucine 1117 with threonine.
Molecular consequence: missense variant.
Genome position (GRCh38, 1-based): chr6:32,084,508, A>G on the plus strand (T>C on the coding strand, the complement: TNXB is on the minus strand). VCF-style: chr6-32084508-A-G. GRCh37 (hg19) VCF-style: chr6-32052285-A-G.
Other names: c.4091T>C, p.Ile1364Thr (NM_001428335.1); c.3350T>C, p.Ile1117Thr (NM_019105.8); short protein forms I1117T, I1364T.
Identifiers: ClinVar variation 4756088 (VCV004756088.1).

ClinVar aggregate classification (germline): Uncertain significance (1 of 4 stars; one submission).

Submission:

GeneDx
Classification: Uncertain significance. Last evaluated: 2025-08-06. Review status: criteria provided, single submitter. Criteria: GeneDx Variant Classification Process June 2021. Collection method: clinical testing. Allele origin: germline. Affected: yes.
Comment: Has not been previously published as pathogenic or benign to our knowledge; Not observed at significant frequency in large population cohorts (gnomAD); In silico analysis supports that this missense variant has a deleterious effect on protein structure/function